The following is an entry in ClinVar:

NM_000053.4(ATP7B):c.395C>T (p.Ser132Phe)

Gene: ATP7B (ATPase copper transporting beta; minus strand). Cytogenetic location: 13q14.3.
Variant type: single nucleotide variant.
Coding change: c.395C>T on transcript NM_000053.4 (MANE Select); coding-DNA position 395, C replaced by T.
Protein change: p.Ser132Phe; replaces serine 132 with phenylalanine.
Molecular consequence: missense variant.
Genome position (GRCh38, 1-based): chr13:51,974,825, G>A on the plus strand (C>T on the coding strand, the complement: ATP7B is on the minus strand). VCF-style: chr13-51974825-G-A. GRCh37 (hg19) VCF-style: chr13-52548961-G-A.
Other names: c.395C>T, p.Ser132Phe (NM_001005918.3, NM_001243182.2, NM_001330578.2 and 30 more transcripts); c.299C>T, p.Ser100Phe (NM_001406517.1, NM_001406518.1, NM_001406530.1 and 4 more transcripts); short protein forms S100F, S132F.
Identifiers: ClinVar variation 4758295 (VCV004758295.1).

ClinVar aggregate classification (germline): Uncertain significance (1 of 4 stars; one submission).

Conditions:
Wilson disease (WND). Also called: Wilson's disease. Identifiers: Orphanet 905, MedGen C0019202, MONDO:0010200, OMIM 277900. Disease mechanism: loss of function.

Submission:

Color Diagnostics, LLC DBA Color Health
Classification: Uncertain significance for Wilson disease. Last evaluated: 2023-04-06. Review status: criteria provided, single submitter. Criteria: ACMG Guidelines, 2015. Collection method: clinical testing. Allele origin: germline.
Comment: This missense variant replaces serine with phenylalanine at codon 132 of the ATP7B protein. Computational prediction suggests that this variant may have deleterious impact on protein structure and function. To our knowledge, functional studies have not been reported for this variant. This variant has not been reported in individuals affected with ATP7B-related disorders in the literature. This variant has been identified in 5/249356 chromosomes in the general population by the Genome Aggregation Database (gnomAD). The available evidence is insufficient to determine the role of this variant in disease conclusively. Therefore, this variant is classified as a Variant of Uncertain Significance.